The following is an entry in ClinVar:

ClinVar aggregate classification (germline): Uncertain significance (1 of 4 stars; one submission).

Conditions:
Hereditary cancer-predisposing syndrome. Also called: Neoplastic Syndromes, Hereditary; Tumor predisposition; Hereditary neoplastic syndrome; Hereditary Cancer Syndrome. Identifiers: Orphanet 140162, MedGen C0027672, MeSH D009386, MONDO:0015356.

Allele frequency attached by ClinVar (database versions not stated): gnomAD exomes below 0.00001.
gnomAD v4.1: 2 of 1,614,096 alleles (0.00012%); highest among the groups gnomAD compares: Middle Eastern, 0.016%; no homozygotes.

Submission:

Ambry Genetics
Classification: Uncertain significance for Hereditary cancer-predisposing syndrome. Last evaluated: 2024-01-31. Review status: criteria provided, single submitter. Criteria: Ambry Variant Classification Scheme 2023. Collection method: clinical testing. Allele origin: germline.
Comment: The p.P1372S variant (also known as c.4114C>T), located in coding exon 15 of the APC gene, results from a C to T substitution at nucleotide position 4114. The proline at codon 1372 is replaced by serine, an amino acid with similar properties. This amino acid position is conserved. In addition, in silico predictors for this gene do not accurately predict pathogenicity. Based on the available evidence, the clinical significance of this alteration remains unclear.

NM_000038.6(APC):c.4114C>T (p.Pro1372Ser)

Gene: APC (APC regulator of Wnt signaling pathway; plus strand). Cytogenetic location: 5q22.2.
Variant type: single nucleotide variant.
Coding change: c.4114C>T on transcript NM_000038.6 (MANE Select); coding-DNA position 4114, C replaced by T.
Protein change: p.Pro1372Ser; replaces proline 1372 with serine.
Molecular consequence: missense variant. On other transcripts: non-coding transcript variant (2).
Genome position (GRCh38, 1-based): chr5:112,839,708, C>T. VCF-style: chr5-112839708-C-T. GRCh37 (hg19) VCF-style: chr5-112175405-C-T.
Other names: c.4114C>T, p.Pro1372Ser (NM_001127510.3, NM_001354895.2, NM_001407450.1); c.4060C>T, p.Pro1354Ser (NM_001127511.3); c.4168C>T, p.Pro1390Ser (NM_001354896.2, NM_001407447.1, NM_001407448.1 and 1 more transcripts); c.4144C>T, p.Pro1382Ser (NM_001354897.2); c.4039C>T, p.Pro1347Ser (NM_001354898.2); c.4030C>T, p.Pro1344Ser (NM_001354899.2); c.3991C>T, p.Pro1331Ser (NM_001354900.2); c.3937C>T, p.Pro1313Ser (NM_001354901.2, NM_001407453.1); and 11 more; short protein forms P1089S, P1212S, P1243S, P1246S, P1271S, P1281S, P1289S, P1313S.
Identifiers: ClinVar variation 3230422 (VCV003230422.1), dbSNP rs1580644170, ClinGen allele CA16030343.
Genomic context (GRCh38, chr5:112,839,708, plus strand): 5'-GTTGAATTTTCTTCAGGAGCGAAATCTCCCTCCAAAAGTGGTGCTCAGACACCCAAAAGT[C>T]CACCTGAACACTATGTTCAGGAGACCCCACTCATGTTTAGCAGATGTACTTCTGTCAGTT-3'
Protein context (NP_000029.2, residues 1362-1382): SKSGAQTPKS[Pro1372Ser]PEHYVQETPL